The following is an entry in ClinVar:

NM_001370.2(DNAH6):c.11230T>C (p.Tyr3744His)

Gene: DNAH6 (dynein axonemal heavy chain 6; plus strand). Cytogenetic location: 2p11.2.
Variant type: single nucleotide variant.
Coding change: c.11230T>C on transcript NM_001370.2 (MANE Select); coding-DNA position 11230, T replaced by C.
Protein change: p.Tyr3744His; replaces tyrosine 3744 with histidine.
Molecular consequence: missense variant.
Genome position (GRCh38, 1-based): chr2:84,787,293, T>C. VCF-style: chr2-84787293-T-C. GRCh37 (hg19) VCF-style: chr2-85014417-T-C.
Other names: short protein forms Y3744H.
Identifiers: ClinVar variation 3346005 (VCV003346005.1).

ClinVar aggregate classification (germline): Uncertain significance (0 of 4 stars; one submission).

Conditions:
DNAH6-related disorder. Also called: DNAH6-related condition.

Submission:

PreventionGenetics, part of Exact Sciences
Classification: Uncertain significance for DNAH6-related condition. Last evaluated: 2024-06-12. Review status: no assertion criteria provided. Collection method: clinical testing. Allele origin: germline.
Comment: The DNAH6 c.11230T>C variant is predicted to result in the amino acid substitution p.Tyr3744His. To our knowledge, this variant has not been reported in the literature or in a large population database, indicating this variant is rare. At this time, the clinical significance of this variant is uncertain due to the absence of conclusive functional and genetic evidence.